The following is an entry in ClinVar:

ClinVar aggregate classification (germline): Likely benign. Review status: criteria provided, single submitter (1 of 4 stars). 2 submissions from 2 submitters: Likely benign (1). 1 of the submissions does not count toward it. Last evaluated 2022-06-16.

Conditions:
ERBB4-related disorder. Also called: ERBB4-related condition.

Allele frequency attached by ClinVar (database versions not stated): ExAC 0.00001; gnomAD exomes 0.00001; TOPMed 0.00005; ESP Exome Variant Server 0.00008.
gnomAD v4.1: 22 of 1,610,348 alleles (0.0014%); highest among the groups gnomAD compares: African/African-American, 0.004%; no homozygotes.

Submissions (2):

Labcorp Genetics (formerly Invitae), Labcorp
Classification: Likely benign. Last evaluated: 2022-06-16. Review status: criteria provided, single submitter. Criteria: Invitae Variant Classification Sherloc (09022015). Collection method: clinical testing. Allele origin: germline.

PreventionGenetics, part of Exact Sciences
Classification: Likely benign for ERBB4-related condition. Last evaluated: 2024-01-11. Review status: no assertion criteria provided. Collection method: clinical testing. Allele origin: germline. Not counted in ClinVar's aggregate classification.
Comment: This variant is classified as likely benign based on ACMG/AMP sequence variant interpretation guidelines (Richards et al. 2015 PMID: 25741868, with internal and published modifications).

NM_005235.3(ERBB4):c.1137T>C (p.Asn379=)

Gene: ERBB4 (erb-b2 receptor tyrosine kinase 4; minus strand). Cytogenetic location: 2q34.
Variant type: single nucleotide variant.
Coding change: c.1137T>C on transcript NM_005235.3 (MANE Select); coding-DNA position 1137, T replaced by C.
Protein change: p.Asn379=; no amino-acid change (asparagine 379 retained).
Molecular consequence: synonymous variant.
Genome position (GRCh38, 1-based): chr2:211,705,379, A>G on the plus strand (T>C on the coding strand, the complement: ERBB4 is on the minus strand). VCF-style: chr2-211705379-A-G. GRCh37 (hg19) VCF-style: chr2-212570104-A-G.
Other names: c.1137T>C, p.Asn379= (NM_001042599.2).
Identifiers: ClinVar variation 2188042 (VCV002188042.6), dbSNP rs370764779, ClinGen allele CA2088216.